The following is an entry in ClinVar:

ClinVar aggregate classification (germline): Benign/Likely benign. Review status: criteria provided, multiple submitters, no conflicts (2 of 4 stars). 6 submissions from 6 submitters: Benign (1); Likely benign (4). 1 of the submissions does not count toward it. Last evaluated 2025-09-24.

Conditions:
BARD1-related disorder. Also called: BARD1-related condition.
Hereditary cancer-predisposing syndrome. Also called: Hereditary neoplastic syndrome; Hereditary Cancer Syndrome; Neoplastic Syndromes, Hereditary; Tumor predisposition. Identifiers: Orphanet 140162, MedGen C0027672, MeSH D009386, MONDO:0015356.
Familial cancer of breast. Also called: Hereditary breast cancer; BREAST CANCER, FAMILIAL; hereditary breast carcinoma. Identifiers: Orphanet 227535, MedGen C0346153, MONDO:0016419, OMIM 114480. Disease mechanism: loss of function.

Allele frequency attached by ClinVar (database versions not stated): ExAC 0.00001; gnomAD exomes 0.00001; TOPMed 0.00001.

Submissions (6):

Labcorp Genetics (formerly Invitae), Labcorp
Classification: Likely benign for Familial cancer of breast. Last evaluated: 2025-09-24. Review status: criteria provided, single submitter. Criteria: Invitae Variant Classification Sherloc (09022015). Collection method: clinical testing. Allele origin: germline.

Myriad Genetics, Inc.
Classification: Benign for Familial cancer of breast. Last evaluated: 2024-07-18. Review status: criteria provided, single submitter. Criteria: Myriad Autosomal Dominant, Autosomal Recessive and X-Linked Classification Criteria (2023). Collection method: clinical testing. Allele origin: unknown.
Comment: This variant is considered benign. This variant is a silent/synonymous amino acid change and it is not expected to impact splicing.

GeneDx
Classification: Likely benign. Last evaluated: 2020-09-10. Review status: criteria provided, single submitter. Criteria: GeneDx Variant Classification Process June 2021. Collection method: clinical testing. Allele origin: germline. Affected: yes.
Comment: Not observed at a significant frequency in large population cohorts (Lek et al., 2016); In silico analysis supports that this variant does not alter splicing; Has not been previously published as pathogenic or benign to our knowledge

Color Diagnostics, LLC DBA Color Health
Classification: Likely benign for Hereditary cancer-predisposing syndrome. Last evaluated: 2017-06-08. Review status: criteria provided, single submitter. Criteria: ACMG Guidelines, 2015. Collection method: clinical testing. Allele origin: germline.

Ambry Genetics
Classification: Likely benign for Hereditary cancer-predisposing syndrome. Last evaluated: 2014-11-25. Review status: criteria provided, single submitter. Criteria: Ambry Variant Classification Scheme 2023. Collection method: clinical testing. Allele origin: germline.

PreventionGenetics, part of Exact Sciences
Classification: Likely benign for BARD1-related condition. Last evaluated: 2024-07-02. Review status: no assertion criteria provided. Collection method: clinical testing. Allele origin: germline. Not counted in ClinVar's aggregate classification.
Comment: This variant is classified as likely benign based on ACMG/AMP sequence variant interpretation guidelines (Richards et al. 2015 PMID: 25741868, with internal and published modifications).

NM_000465.4(BARD1):c.75C>T (p.Ala25=)

Gene: BARD1 (BRCA1 associated RING domain 1; minus strand). Cytogenetic location: 2q35.
Variant type: single nucleotide variant.
Coding change: c.75C>T on transcript NM_000465.4 (MANE Select); coding-DNA position 75, C replaced by T.
Protein change: p.Ala25=; no amino-acid change (alanine 25 retained).
Molecular consequence: synonymous variant. On other transcripts: non-coding transcript variant (3).
Genome position (GRCh38, 1-based): chr2:214,809,495, G>A on the plus strand (C>T on the coding strand, the complement: BARD1 is on the minus strand). VCF-style: chr2-214809495-G-A. GRCh37 (hg19) VCF-style: chr2-215674219-G-A.
Other names: c.75C>T, p.Ala25= (NM_001282543.2, NM_001282549.2, NM_001282545.2 and 1 more transcripts).
Identifiers: ClinVar variation 229752 (VCV000229752.22), dbSNP rs763098407, ClinGen allele CA2090524.